The following is an entry in ClinVar:

ClinVar aggregate classification (germline): Uncertain significance (1 of 4 stars; one submission).

Conditions:
Osteopetrosis, autosomal dominant 3. Identifiers: MedGen C4748197, MONDO:0020848, OMIM 618107.

Submission:

Neuberg Centre For Genomic Medicine, NCGM
Classification: Uncertain significance for Osteopetrosis, autosomal dominant 3. Review status: criteria provided, single submitter. Criteria: ACMG Guidelines, 2015. Collection method: clinical testing. Allele origin: germline. Inheritance: Autosomal dominant inheritance. Affected: yes.
Comment: The missense variant c.2717C>T (p.Ala906Val) in PLEKHM1 gene has not been reported previously as a pathogenic variant nor as a benign variant, to our knowledge. The p.Ala906Val variant is present with allele frequency of 0.001% in gnomAD exomes database. This variant has not been submitted to the ClinVar database. Multiple lines of computational evidence (Polyphen - benign, SIFT - damaging and MutationTaster - polymorphism) predicts conflicting evidence on protein structure and function for this variant. The reference amino acid at this position on PLEKHM1 gene is predicted as conserved by GERP++ and PhyloP across 100 vertebrates. The amino acid Ala at position 906 is changed to a Val changing protein sequence and it might alter its composition and physico-chemical properties. For these reasons, this variant has been classified as Uncertain Significance (VUS).

NM_014798.3(PLEKHM1):c.2717C>T (p.Ala906Val)

Gene: PLEKHM1 (pleckstrin homology and RUN domain containing M1; minus strand). Cytogenetic location: 17q21.31.
Variant type: single nucleotide variant.
Coding change: c.2717C>T on transcript NM_014798.3 (MANE Select); coding-DNA position 2717, C replaced by T.
Protein change: p.Ala906Val; replaces alanine 906 with valine.
Molecular consequence: missense variant. On other transcripts: non-coding transcript variant (2).
Genome position (GRCh38, 1-based): chr17:45,445,590, G>A on the plus strand (C>T on the coding strand, the complement: PLEKHM1 is on the minus strand). VCF-style: chr17-45445590-G-A. GRCh37 (hg19) VCF-style: chr17-43522956-G-A.
Other names: short protein forms A906V.
Identifiers: ClinVar variation 3731320 (VCV003731320.1).